The following is an entry in ClinVar:

NM_133261.3(GIPC3):c.410A>G (p.Lys137Arg)

Gene: GIPC3 (GIPC PDZ domain containing family member 3; plus strand). Cytogenetic location: 19p13.3.
Variant type: single nucleotide variant.
Coding change: c.410A>G on transcript NM_133261.3 (MANE Select); coding-DNA position 410, A replaced by G.
Protein change: p.Lys137Arg; replaces lysine 137 with arginine.
Molecular consequence: missense variant.
Genome position (GRCh38, 1-based): chr19:3,586,679, A>G. VCF-style: chr19-3586679-A-G. GRCh37 (hg19) VCF-style: chr19-3586677-A-G.
Other names: c.410A>G, p.Lys137Arg (NM_001411144.1); short protein forms K137R.
Identifiers: ClinVar variation 3378002 (VCV003378002.1).

ClinVar aggregate classification (germline): Uncertain significance (1 of 4 stars; one submission).

gnomAD v4.1: 4 of 733,754 alleles (0.00055%); highest among the groups gnomAD compares: African/African-American, 0.0047%; no homozygotes.

Submission:

GeneDx
Classification: Uncertain significance. Last evaluated: 2024-05-16. Review status: criteria provided, single submitter. Criteria: GeneDx Variant Classification Process June 2021. Collection method: clinical testing. Allele origin: germline. Affected: yes.
Comment: In silico analysis supports that this missense variant has a deleterious effect on protein structure/function; Has not been previously published as pathogenic or benign to our knowledge